The following is an entry in ClinVar:

NM_000138.5(FBN1):c.6380-15T>A

Gene: FBN1 (fibrillin 1; minus strand). Cytogenetic location: 15q21.1.
Variant type: single nucleotide variant.
Coding change: c.6380-15T>A on transcript NM_000138.5 (MANE Select); 15 bases into the intron before coding-DNA position 6380, T replaced by A.
Molecular consequence: intron variant.
Genome position (GRCh38, 1-based): chr15:48,437,092, A>T on the plus strand (T>A on the coding strand, the complement: FBN1 is on the minus strand). VCF-style: chr15-48437092-A-T. GRCh37 (hg19) VCF-style: chr15-48729289-A-T.
Identifiers: ClinVar variation 927283 (VCV000927283.3), dbSNP rs2043078920, ClinGen allele CA1139663956.

ClinVar aggregate classification (germline): Uncertain significance (1 of 4 stars; one submission).

Conditions:
Familial thoracic aortic aneurysm and aortic dissection (TAAD). Also called: Thoracic aortic aneurysms and dissections. Identifiers: Orphanet 91387, MedGen C4707243, MONDO:0019625.

Allele frequency attached by ClinVar (database versions not stated): TOPMed below 0.00001.

Submission:

Color Diagnostics, LLC DBA Color Health
Classification: Uncertain significance for Familial thoracic aortic aneurysm and aortic dissection. Last evaluated: 2019-06-19. Review status: criteria provided, single submitter. Criteria: ACMG Guidelines, 2015. Collection method: clinical testing. Allele origin: germline.
Comment: This variant is located in the intron 52 splice acceptor region of the FBN1 gene. Computational splicing tools and conservation analyses are inconclusive regarding the impact of this variant on RNA splicing. To our knowledge, functional assays have not been performed for this variant nor has this variant been reported in individuals affected with cardiovascular disorders in the literature. This variant has not been identified in the general population by the Genome Aggregation Database (gnomAD). Available evidence is insufficient to determine the role of this variant in disease conclusively. Therefore, this variant is classified as a Variant of Uncertain Significance.